The following is an entry in ClinVar:

ClinVar aggregate classification (germline): Uncertain significance. Review status: criteria provided, multiple submitters, no conflicts (2 of 4 stars). 3 submissions from 3 submitters: Uncertain significance (2). 1 of the submissions does not count toward it. Last evaluated 2025-07-24.

Conditions:
Meckel syndrome, type 5 (MKS5). Identifiers: Orphanet 564, MedGen C1969052, MONDO:0012695, OMIM 611561.
Joubert syndrome 7 (JBTS7). Identifiers: Orphanet 220497, MedGen C1969053, MONDO:0012694, OMIM 611560.
COACH syndrome 3. Identifiers: MedGen C5436841, MONDO:0030862, OMIM 619113.
Joubert syndrome. Also called: CEREBELLOPARENCHYMAL DISORDER IV; JOUBERT-BOLTSHAUSER SYNDROME; Familial aplasia of the vermis. Identifiers: Orphanet 475, MedGen C5979921, MONDO:0018772.
Meckel-Gruber syndrome. Also called: DYSENCEPHALIA SPLANCHNOCYSTICA; GRUBER SYNDROME; Dysencephalia splachnocystica. Identifiers: Orphanet 564, MedGen C0265215, MONDO:0018921.
Retinal dystrophy. Also called: Inherited retinal dystrophy. Identifiers: Orphanet 71862, MedGen C0854723, MeSH D058499, MONDO:0019118, HP:0000556.

gnomAD v4.1: 9 of 1,570,334 alleles (0.00057%); highest among the groups gnomAD compares: Admixed American, 0.0017%; no homozygotes.

Submissions (3):

Labcorp Genetics (formerly Invitae), Labcorp
Classification: Uncertain significance for Joubert syndrome; Meckel-Gruber syndrome. Last evaluated: 2025-07-24. Review status: criteria provided, single submitter. Criteria: Invitae Variant Classification Sherloc (09022015). Collection method: clinical testing. Allele origin: germline.
Comment: This sequence change replaces arginine, which is basic and polar, with tryptophan, which is neutral and slightly polar, at codon 355 of the RPGRIP1L protein (p.Arg355Trp). This variant is present in population databases (rs778195218, gnomAD 0.004%). This variant has not been reported in the literature in individuals affected with RPGRIP1L-related conditions. ClinVar contains an entry for this variant (Variation ID: 3249484). Invitae Evidence Modeling of protein sequence and biophysical properties (such as structural, functional, and spatial information, amino acid conservation, physicochemical variation, residue mobility, and thermodynamic stability) indicates that this missense variant is expected to disrupt RPGRIP1L protein function with a positive predictive value of 80%. In summary, the available evidence is currently insufficient to determine the role of this variant in disease. Therefore, it has been classified as a Variant of Uncertain Significance.

Fulgent Genetics
Classification: Uncertain significance for Joubert syndrome 7; Meckel syndrome, type 5; COACH syndrome 3. Last evaluated: 2024-01-08. Review status: criteria provided, single submitter. Criteria: ACMG Guidelines, 2015. Collection method: clinical testing. Allele origin: germline.

Institute of Human Genetics, Univ. Regensburg, Univ. Regensburg
Classification: Uncertain significance for Retinal dystrophy. Last evaluated: 2023-01-01. Review status: no assertion criteria provided. Criteria: ACMG Guidelines, 2015. Collection method: clinical testing. Allele origin: germline. Affected: yes. Not counted in ClinVar's aggregate classification.

NM_015272.5(RPGRIP1L):c.1063C>T (p.Arg355Trp)

Gene: RPGRIP1L (RPGRIP1 like; minus strand). Cytogenetic location: 16q12.2.
Variant type: single nucleotide variant.
Coding change: c.1063C>T on transcript NM_015272.5 (MANE Select); coding-DNA position 1063, C replaced by T.
Protein change: p.Arg355Trp; replaces arginine 355 with tryptophan.
Molecular consequence: missense variant.
Genome position (GRCh38, 1-based): chr16:53,671,550, G>A on the plus strand (C>T on the coding strand, the complement: RPGRIP1L is on the minus strand). VCF-style: chr16-53671550-G-A. GRCh37 (hg19) VCF-style: chr16-53705462-G-A.
Other names: c.1063C>T, p.Arg355Trp (NM_001127897.4, NM_001308334.3, NM_001330538.2); short protein forms R355W.
Identifiers: ClinVar variation 3249484 (VCV003249484.3).
Genomic context (GRCh38, chr16:53,671,550, plus strand): 5'-CACATGGAATCACGATTTACCTGTCATAAAGTTTATCATAGTTTTCCTTTAAAAGTTCCC[G>A]TTCCTTTTCTAAATCATTAATTCTATCCTGCAGCTAAAATGAAAATAAAATTACATATTA-3'
Protein context (NP_056087.2, residues 345-365): QDRINDLEKE[Arg355Trp]ELLKENYDKL